The following is an entry in ClinVar:

NM_020812.4(DOCK6):c.3352G>A (p.Ala1118Thr)

Gene: DOCK6 (dedicator of cytokinesis 6; minus strand). Cytogenetic location: 19p13.2.
Variant type: single nucleotide variant.
Coding change: c.3352G>A on transcript NM_020812.4 (MANE Select); coding-DNA position 3352, G replaced by A.
Protein change: p.Ala1118Thr; replaces alanine 1118 with threonine.
Molecular consequence: missense variant.
Genome position (GRCh38, 1-based): chr19:11,222,137, C>T on the plus strand (G>A on the coding strand, the complement: DOCK6 is on the minus strand). VCF-style: chr19-11222137-C-T. GRCh37 (hg19) VCF-style: chr19-11332813-C-T.
Other names: c.3457G>A, p.Ala1153Thr (NM_001367830.1); short protein forms A1118T, A1153T.
Identifiers: ClinVar variation 3712710 (VCV003712710.2).

ClinVar aggregate classification (germline): Uncertain significance (1 of 4 stars; one submission).

gnomAD v4.1: 2 of 1,612,842 alleles (0.00012%); highest among the groups gnomAD compares: Non-Finnish European, 0.00017%; no homozygotes.

Submission:

Labcorp Genetics (formerly Invitae), Labcorp
Classification: Uncertain significance. Last evaluated: 2024-04-08. Review status: criteria provided, single submitter. Criteria: Invitae Variant Classification Sherloc (09022015). Collection method: clinical testing. Allele origin: germline.
Comment: This sequence change replaces alanine, which is neutral and non-polar, with threonine, which is neutral and polar, at codon 1118 of the DOCK6 protein (p.Ala1118Thr). This variant is not present in population databases (gnomAD no frequency). This variant has not been reported in the literature in individuals affected with DOCK6-related conditions. Advanced modeling of protein sequence and biophysical properties (such as structural, functional, and spatial information, amino acid conservation, physicochemical variation, residue mobility, and thermodynamic stability) performed at Invitae indicates that this missense variant is not expected to disrupt DOCK6 protein function with a negative predictive value of 80%. In summary, the available evidence is currently insufficient to determine the role of this variant in disease. Therefore, it has been classified as a Variant of Uncertain Significance.